The following is an entry in ClinVar:

ClinVar aggregate classification (germline): Pathogenic (1 of 4 stars; one submission).

Conditions:
Charcot-Marie-Tooth disease axonal type 2V. Also called: CHARCOT-MARIE-TOOTH NEUROPATHY, TYPE 2V; CHARCOT-MARIE-TOOTH DISEASE, AXONAL, AUTOSOMAL DOMINANT, TYPE 2V. Identifiers: Orphanet 447964, MedGen C5569050, MONDO:0014665, OMIM 616491.
Mucopolysaccharidosis, MPS-III-B (MPS3B). Also called: MPS IIIB (Sanfilippo Syndrome Type B); N-ACETYL-ALPHA-D-GLUCOSAMINIDASE DEFICIENCY; NAGLU DEFICIENCY; MUCOPOLYSACCHARIDOSIS, TYPE IIIB; Mucopolysaccharidosis type IIIB (Sanfilippo B); SANFILIPPO SYNDROME B. Identifiers: Orphanet 79270, MedGen C0086648, MONDO:0009656, OMIM 252920.

Submission:

Labcorp Genetics (formerly Invitae), Labcorp
Classification: Pathogenic for Charcot-Marie-Tooth disease axonal type 2V; Mucopolysaccharidosis, MPS-III-B. Last evaluated: 2021-04-05. Review status: criteria provided, single submitter. Criteria: Invitae Variant Classification Sherloc (09022015). Collection method: clinical testing. Allele origin: germline.
Comment: For these reasons, this variant has been classified as Pathogenic. Algorithms developed to predict the effect of sequence changes on RNA splicing suggest that this variant may create or strengthen a splice site, but this prediction has not been confirmed by published transcriptional studies. This variant has not been reported in the literature in individuals with NAGLU-related conditions. This variant is not present in population databases (ExAC no frequency). This sequence change creates a premature translational stop signal (p.Met238Argfs*62) in the NAGLU gene. It is expected to result in an absent or disrupted protein product. Loss-of-function variants in NAGLU are known to be pathogenic (PMID: 9832037, 10094189, 16151907).

Literature cited by the submitters: PubMed 9832037; PubMed 10094189; PubMed 16151907.

NM_000263.4(NAGLU):c.713del (p.Met238fs)

Gene: NAGLU (N-acetyl-alpha-glucosaminidase; plus strand). Cytogenetic location: 17q21.2.
Variant type: Deletion.
Coding change: c.713del on transcript NM_000263.4 (MANE Select); coding-DNA position 713, one base deleted (T; older notation c.713delT).
Protein change: p.Met238fs; shifts the reading frame from methionine 238.
Molecular consequence: frameshift variant.
Genome position (GRCh38, 1-based): chr17:42,538,704, T deleted. VCF-style (leftmost placement, unchanged base first): chr17-42538703-AT-A. GRCh37 (hg19) VCF-style: chr17-40690721-AT-A.
Other names: short protein forms M238fs.
Identifiers: ClinVar variation 1384177 (VCV001384177.6), dbSNP rs2143088088, ClinGen allele CA2573153968.
Genomic context (GRCh38, chr17:42,538,703, plus strand): 5'-TCACCACCCTTCCTTCTGTTCCTCCAGCACCGGGTCCTGGACCAGATGCGCTCCTTCGGC[AT>A]GACCCCAGTGCTGCCTGCATTCGCGGGGCATGTTCCCGAGGCTGTCACCAGGTGAGGTTC-3'